The following is an entry in ClinVar:

ClinVar aggregate classification (germline): Uncertain significance (1 of 4 stars; one submission).

Submission:

Dasa
Classification: Uncertain significance. Last evaluated: 2024-12-23. Review status: criteria provided, single submitter. Criteria: DASA Assertion Criteria. Collection method: clinical testing. Allele origin: germline.
Comment: NM_018026.4(PACS1):c.1417C>G (p.Leu473Val) is a missense variant that results in the substitution of leucine with valine. This variant is absent from population databases. Computational prediction algorithms are consistent with a benign effect. The currently available literature and clinical evidence are not sufficient to establish a definitive association between this variant and the reported condition. Therefore, this variant is classified as a variant of uncertain significance.

NM_018026.4(PACS1):c.1417C>G (p.Leu473Val)

Gene: PACS1 (phosphofurin acidic cluster sorting protein 1; plus strand). Cytogenetic location: 11q13.2.
Variant type: single nucleotide variant.
Coding change: c.1417C>G on transcript NM_018026.4 (MANE Select); coding-DNA position 1417, C replaced by G.
Protein change: p.Leu473Val; replaces leucine 473 with valine.
Molecular consequence: missense variant.
Genome position (GRCh38, 1-based): chr11:66,230,590, C>G. VCF-style: chr11-66230590-C-G. GRCh37 (hg19) VCF-style: chr11-65998061-C-G.
Other names: short protein forms L473V.
Identifiers: ClinVar variation 4885614 (VCV004885614.2).
Genomic context (GRCh38, chr11:66,230,590, plus strand): 5'-TCCTCTCCTCCATGGTAGGAAATCACTGACCAGGACATGTTTGGAGATGCCAGCACGAGT[C>G]TGGTTGTGCCGGAGAAAGTCAAAACTCCCATGAAGTCCAGTAAAACGGATCTCCAGGGCT-3'
Protein context (NP_060496.2, residues 463-483): QDMFGDASTS[Leu473Val]VVPEKVKTPM